The following is an entry in ClinVar:

ClinVar aggregate classification (germline): Likely benign (1 of 4 stars; one submission).

Allele frequency attached by ClinVar (database versions not stated): TOPMed 0.01374; gnomAD exomes 0.00121; gnomAD 0.01193 and 0.01284; 1000 Genomes Project 0.01118; 1000 Genomes Project 30x 0.01187.
gnomAD v4.1: 2,309 of 551,304 alleles (0.42%); highest among the groups gnomAD compares: African/African-American, 4.1%; 41 homozygotes.

Submission:

GeneDx
Classification: Likely benign. Last evaluated: 2018-06-16. Review status: criteria provided, single submitter. Criteria: GeneDx Variant Classification (06012015). Collection method: clinical testing. Allele origin: germline. Affected: yes.
Comment: This variant is considered likely benign or benign based on one or more of the following criteria: it is a conservative change, it occurs at a poorly conserved position in the protein, it is predicted to be benign by multiple in silico algorithms, and/or has population frequency not consistent with disease.

NM_020631.4(PLEKHG5):c.-5220C>G

Gene: PLEKHG5 (pleckstrin homology and RhoGEF domain containing G5; minus strand). Cytogenetic location: 1p36.31.
Variant type: single nucleotide variant.
Coding change: c.-5220C>G on transcript NM_020631.4; 5220 bases upstream of the start codon, C replaced by G.
Molecular consequence: intron variant (on NM_198681.4).
Genome position (GRCh38, 1-based): chr1:6,496,769, G>C on the plus strand (C>G on the coding strand, the complement: PLEKHG5 is on the minus strand). VCF-style: chr1-6496769-G-C. GRCh37 (hg19) VCF-style: chr1-6556829-G-C.
Other names: c.-164-200C>G (NM_198681.4); c.-53-200C>G (NM_001042663.3); c.-54+190C>G (NM_001265592.2).
Identifiers: ClinVar variation 678406 (VCV000678406.3), dbSNP rs145275535, ClinGen allele CA17196122.